The following is an entry in ClinVar:

NM_012310.5(KIF4A):c.3071A>G (p.Lys1024Arg)

Gene: KIF4A (kinesin family member 4A; plus strand). Cytogenetic location: Xq13.1.
Variant type: single nucleotide variant.
Coding change: c.3071A>G on transcript NM_012310.5 (MANE Select); coding-DNA position 3071, A replaced by G.
Protein change: p.Lys1024Arg; replaces lysine 1024 with arginine.
Molecular consequence: missense variant.
Genome position (GRCh38, 1-based): chrX:70,406,353, A>G. VCF-style: chrX-70406353-A-G. GRCh37 (hg19) VCF-style: chrX-69626203-A-G.
Other names: NC_000023.10:g.69626203A>G; short protein forms K1024R.
Identifiers: ClinVar variation 4085837 (VCV004085837.9).

ClinVar aggregate classification (germline): Uncertain significance (1 of 4 stars; one submission).

Submissions (2):

CeGaT Center for Human Genetics Tuebingen
Classification: Uncertain significance. Last evaluated: 2025-08-01. Review status: criteria provided, single submitter. Criteria: CeGaT Center For Human Genetics Tuebingen Variant Classification Criteria Version 2. Collection method: clinical testing. Allele origin: germline. Affected: yes. Observed: 1 variant allele.
Comment: KIF4A: PM2, PP3

Dr. Peter K. Rogan Lab, Western University
No classification provided (evidence only). Condition: Nonpapillary renal cell carcinoma. Review status: no classification provided. Collection method: in vitro. Allele origin: not applicable. Functional consequence: retained intron. Not counted in ClinVar's aggregate classification.